The following is an entry in ClinVar:

NM_001004334.4(GPR179):c.6950G>A (p.Gly2317Glu)

Gene: GPR179 (G protein-coupled receptor 179; minus strand). Cytogenetic location: 17q12.
Variant type: single nucleotide variant.
Coding change: c.6950G>A on transcript NM_001004334.4 (MANE Select); coding-DNA position 6950, G replaced by A.
Protein change: p.Gly2317Glu; replaces glycine 2317 with glutamic acid.
Molecular consequence: missense variant.
Genome position (GRCh38, 1-based): chr17:38,326,619, C>T on the plus strand (G>A on the coding strand, the complement: GPR179 is on the minus strand). VCF-style: chr17-38326619-C-T. GRCh37 (hg19) VCF-style: chr17-36482502-C-T.
Other names: short protein forms G2317E.
Identifiers: ClinVar variation 1367840 (VCV001367840.3), dbSNP rs1414028835, ClinGen allele CA398866864.

ClinVar aggregate classification (germline): Uncertain significance (1 of 4 stars; one submission).

Allele frequency attached by ClinVar (database versions not stated): gnomAD exomes below 0.00001 and 0.00001; TOPMed 0.00002.
gnomAD v4.1: 4 of 1,614,174 alleles (0.00025%); highest among the groups gnomAD compares: Middle Eastern, 0.017%; no homozygotes.

Submission:

Labcorp Genetics (formerly Invitae), Labcorp
Classification: Uncertain significance. Last evaluated: 2021-07-26. Review status: criteria provided, single submitter. Criteria: Invitae Variant Classification Sherloc (09022015). Collection method: clinical testing. Allele origin: germline.
Comment: This sequence change replaces glycine with glutamic acid at codon 2317 of the GPR179 protein (p.Gly2317Glu). The glycine residue is weakly conserved and there is a moderate physicochemical difference between glycine and glutamic acid. This variant is not present in population databases (ExAC no frequency). This variant has not been reported in the literature in individuals affected with GPR179-related conditions. Algorithms developed to predict the effect of missense changes on protein structure and function output the following: SIFT: "Tolerated"; PolyPhen-2: "Benign"; Align-GVGD: "Class C0". The glutamic acid amino acid residue is found in multiple mammalian species, which suggests that this missense change does not adversely affect protein function. In summary, the available evidence is currently insufficient to determine the role of this variant in disease. Therefore, it has been classified as a Variant of Uncertain Significance.